The following continues an entry in ClinVar:

NM_000059.4(BRCA2):c.7975A>G (p.Arg2659Gly)

Gene: BRCA2. ClinVar aggregate classification (germline): Pathogenic. Pathogenic (1).

Submissions 7 to 16 of 16:

Ambry Genetics
Classification: Pathogenic for Hereditary cancer-predisposing syndrome. Last evaluated: 2023-06-16. Review status: criteria provided, single submitter. Criteria: Ambry Variant Classification Scheme 2023. Collection method: clinical testing. Allele origin: germline. Not counted in ClinVar's aggregate classification.
Comment: The p.R2659G pathogenic mutation (also known as c.7975A>G), located in coding exon 16 of the BRCA2 gene, results from an A to G substitution at nucleotide position 7975. The arginine at codon 2659 is replaced by glycine, an amino acid with dissimilar properties. This alteration, along with close-match alteration BRCA2 c.7976G>A (p.R2659K) are located near a canonical splice donor site and result in in-frame, exon 16 skipping (Fraile-Bethencourt E et al. PLoS Genet. 2017 Mar;13:e1006691; Caux-Moncoutier V et al. Hum. Mutat. 2011 Mar;32:325-34; Houdayer C et al. Hum. Mutat. 2012 Aug;33:1228-38; Hofmann W et al. J Med Genet. 2003 Mar;40(3):e23). Both of these alterations are also non-functional in protein-based homology-directed DNA repair (HDR) assay (Guidugli L et al. Am. J. Hum. Genet. 2018 Jan; Wu K et al. Cancer Res. 2005 Jan;65:417-26; Guidugli L et al. Cancer Res. 2013 Jan;73:265-75). This alteration is considered pathogenic by multifactorial analysis that considers cosegregation, tumor pathology, co-occurrence with pathogenic mutation, family history and case-control data. Of note, the co-segregation likelihood ratio was particularly strong for this variant in this study (Parsons MT et al. Hum. Mutat., 2019 09;40:1557-1578). This amino acid position is highly conserved in available vertebrate species. In addition, this alteration is predicted to be deleterious by in silico analysis. Internal structural analysis suggests the arginine at codon 2659 closely interacts with other amino acids where other pathogenic substitutions have been identified. Further, the presence of a glycine at codon 2659 is likely to disrupt DNA binding (Ambry internal data). Based on the majority of available evidence to date, this alteration is interpreted as a disease-causing mutation.

Baylor Genetics
Classification: Pathogenic for Familial cancer of breast. Last evaluated: 2022-06-07. Review status: criteria provided, single submitter. Criteria: ACMG Guidelines, 2015. Collection method: clinical testing. Allele origin: unknown. Not counted in ClinVar's aggregate classification.

Mendelics
Classification: Pathogenic for Familial cancer of breast. Last evaluated: 2022-05-04. Review status: criteria provided, single submitter. Criteria: Mendelics Assertion Criteria 2019. Collection method: clinical testing. Allele origin: germline. Not counted in ClinVar's aggregate classification.

Blueprint Genetics
Classification: Pathogenic for BRCA2-related disorders. Last evaluated: 2022-03-01. Review status: criteria provided, single submitter. Criteria: ACMG Guidelines, 2015. Collection method: clinical testing. Allele origin: germline. Affected: yes. Observed: 1 variant allele. Not counted in ClinVar's aggregate classification.

ARUP Laboratories, Molecular Genetics and Genomics, ARUP Laboratories
Classification: Likely pathogenic. Last evaluated: 2021-01-20. Review status: criteria provided, single submitter. Criteria: ARUP Molecular Germline Variant Investigation Process 2021. Collection method: clinical testing. Allele origin: germline. Not counted in ClinVar's aggregate classification.
Comment: The BRCA2 c.7975A>G; p.Arg2659Gly variant (rs80359026) is reported in the literature in several individuals affected with suspected hereditary breast and/or ovarian cancer syndrome (Apessos 2018, Caux-Moncoutier 2011, Li 2019). This variant is absent from general population databases (Exome Variant Server, Genome Aggregation Database), indicating it is not a common polymorphism. Multifactorial likelihood analyses, incorporating personal and family history of cancer, co-occurrence with pathogenic variants, and co-segregation with disease, suggest the p.Arg2659Gly variant is highly likely to be disease-causing (Parsons 2019). The arginine at codon 2659 is highly conserved, and computational analyses predict that this variant is deleterious (REVEL: 0.871). Consistent with these predictions, functional assays of homology-directed repair suggest the variant protein has significantly reduced activity (Guidugli 2013). Further, this variant occurs in the penultimate nucleotide of exon 17, and splicing analyses suggest a low level of exon skipping in cells expressing the variant (Fraile-Bethencourt 2017, Houdayer 2019). Based on available information, this variant is considered to be likely pathogenic. References: Apessos et al. Comprehensive BRCA mutation analysis in the Greek population. Experience from a single clinical diagnostic center. Cancer Genet. 2018 Jan;220:1-12. Caux-Moncoutier V et al. EMMA, a cost- and time-effective diagnostic method for simultaneous detection of point mutations and large-scale genomic rearrangements: application to BRCA1 and BRCA2 in 1,525 patients. Hum Mutat. 2011 Mar;32(3):325-34. Fraile-Bethencourt et al. Functional classification of DNA variants by hybrid minigenes: Identification of 30 spliceogenic variants of BRCA2 exons 17 and 18. PLoS Genet. 2017 Mar 24;13(3):e1006691. Guidugli L et al. A classification model for BRCA2 DNA binding domain missense variants based on homology-directed repair activity. Cancer Res. 2013 Jan 1;73(1):265-75. Houdayer C et al. Guidelines for splicing analysis in molecular diagnosis derived from a set of 327 combined in silico/in vitro studies on BRCA1 and BRCA2 variants. Hum Mutat. 2012 Aug;33(8):1228-38. Li et al. Germline mutations in 40 cancer susceptibility genes among Chinese patients with high hereditary risk breast cancer. Int J Cancer. 2019 Jan 15;144(2):281-289. Parsons MT et al. Large scale multifactorial likelihood quantitative analysis of BRCA1 and BRCA2 variants: An ENIGMA resource to support clinical variant classification. Hum Mutat. 2019 Sep;40(9):1557-1578.

Institute of Medical Genetics and Applied Genomics, University Hospital Tübingen
Classification: Pathogenic. Last evaluated: 2020-10-23. Review status: criteria provided, single submitter. Criteria: ACMG Guidelines, 2015. Collection method: clinical testing. Allele origin: germline. Inheritance: Unknown mechanism. Affected: yes. Not counted in ClinVar's aggregate classification.

BRCAlab, Lund University
Classification: Pathogenic for Breast-ovarian cancer, familial, susceptibility to, 2. Last evaluated: 2020-03-02. Review status: no assertion criteria provided. Collection method: clinical testing. Allele origin: germline. Affected: yes. Not counted in ClinVar's aggregate classification.

Sharing Clinical Reports Project (SCRP)
Classification: Uncertain significance for Breast-ovarian cancer, familial 2. Last evaluated: 2009-10-28. Review status: no assertion criteria provided. Collection method: clinical testing. Allele origin: germline. Not counted in ClinVar's aggregate classification.

Breast Cancer Information Core (BIC) (BRCA2)
Classification: Uncertain significance for Breast-ovarian cancer, familial 2. Last evaluated: 1998-07-10. Review status: no assertion criteria provided. Collection method: clinical testing. Allele origin: germline. Affected: yes. Observed: 2 variant alleles. Not counted in ClinVar's aggregate classification.

Laboratoire de Biologie et Génétique du Cancer, Centre François Baclesse
Classification: Uncertain significance for Breast-ovarian cancer, familial, susceptibility to, 2. Review status: no assertion criteria provided. Collection method: clinical testing. Allele origin: germline. Inheritance: Autosomal dominant inheritance. Affected: yes. Not counted in ClinVar's aggregate classification.

Literature cited by the submitters: PubMed 31131967 (cited by 5 submitters); PubMed 21120943 (cited by 5 submitters); PubMed 27553368 (cited by 3 submitters); PubMed 29335924 (cited by 5 submitters); PubMed 29752822 (cited by 4 submitters); PubMed 30254663 (cited by 3 submitters); PubMed 15695382 (cited by 3 submitters); PubMed 23108138 (cited by 4 submitters); PubMed 29884841 (cited by 3 submitters); PubMed 12624152 (cited by Labcorp Genetics (formerly Invitae), Labcorp); PubMed 22505045 (cited by 3 submitters); PubMed 28339459 (cited by 4 submitters); PubMed 29310832 (cited by Quest Diagnostics Nichols Institute San Juan Capistrano and Ambry Genetics); PubMed 24323938 (cited by Quest Diagnostics Nichols Institute San Juan Capistrano and Ambry Genetics); PubMed 34597585 (cited by Quest Diagnostics Nichols Institute San Juan Capistrano and Color Diagnostics, LLC DBA Color Health); PubMed 28905878 (cited by Color Diagnostics, LLC DBA Color Health); PubMed 29394989 (cited by Color Diagnostics, LLC DBA Color Health and Ambry Genetics); PubMed 31191615 (cited by Color Diagnostics, LLC DBA Color Health); PubMed 32444794 (cited by Color Diagnostics, LLC DBA Color Health); PubMed 32850417 (cited by Color Diagnostics, LLC DBA Color Health); PubMed 33008098 (cited by Color Diagnostics, LLC DBA Color Health); PubMed 33801055 (cited by Color Diagnostics, LLC DBA Color Health); PubMed 19043619 (cited by Ambry Genetics); PubMed 21523855 (cited by Ambry Genetics); PubMed 26489468 (cited by Ambry Genetics).